The following is an entry in ClinVar:

NM_032043.3(BRIP1):c.2194A>T (p.Lys732Ter)

Gene: BRIP1 (BRCA1 interacting DNA helicase 1; minus strand). Cytogenetic location: 17q23.2.
Variant type: single nucleotide variant.
Coding change: c.2194A>T on transcript NM_032043.3 (MANE Select); coding-DNA position 2194, A replaced by T.
Protein change: p.Lys732Ter; replaces lysine 732 with a stop codon.
Molecular consequence: nonsense.
Genome position (GRCh38, 1-based): chr17:61,744,495, T>A on the plus strand (A>T on the coding strand, the complement: BRIP1 is on the minus strand). VCF-style: chr17-61744495-T-A. GRCh37 (hg19) VCF-style: chr17-59821856-T-A.
Other names: short protein forms K732*.
Identifiers: ClinVar variation 2583216 (VCV002583216.2), dbSNP rs2544837161, ClinGen allele CA400483033.

ClinVar aggregate classification (germline): Pathogenic (1 of 4 stars; one submission).

Conditions:
Familial cancer of breast. Also called: Hereditary breast cancer; BREAST CANCER, FAMILIAL; hereditary breast carcinoma. Identifiers: Orphanet 227535, MedGen C0346153, MONDO:0016419, OMIM 114480. Disease mechanism: loss of function.

Submission:

Myriad Genetics, Inc.
Classification: Pathogenic for Familial cancer of breast. Last evaluated: 2023-06-06. Review status: criteria provided, single submitter. Criteria: Myriad Autosomal Dominant, Autosomal Recessive and X-Linked Classification Criteria (2023). Collection method: clinical testing. Allele origin: unknown.
Comment: This variant is considered pathogenic. This variant creates a termination codon and is predicted to result in premature protein truncation.